The following is an entry in ClinVar:

NM_001166345.3(MDFIC):c.158A>T (p.His53Leu)

Gene: MDFIC (MyoD family inhibitor domain containing; plus strand). Cytogenetic location: 7q31.1.
Variant type: single nucleotide variant.
Coding change: c.158A>T on transcript NM_001166345.3 (MANE Select); coding-DNA position 158, A replaced by T.
Protein change: p.His53Leu; replaces histidine 53 with leucine.
Molecular consequence: missense variant.
Genome position (GRCh38, 1-based): chr7:114,942,338, A>T. VCF-style: chr7-114942338-A-T. GRCh37 (hg19) VCF-style: chr7-114582393-A-T.
Other names: c.485A>T, p.His162Leu (NM_199072.5); short protein forms H162L, H53L.
Identifiers: ClinVar variation 4978927 (VCV004978927.1).
Genomic context (GRCh38, chr7:114,942,338, plus strand): 5'-AATGTGATAAAGACAATACTGAGAAAGATATAACTCAAGCTACCAATAGCCACTTCACAC[A>T]TGGAGAGATGCAAGACCAGTCCATTTGGGGAAATCCTTCGGATGGTGAACTCATTAGAAG-3'
Protein context (NP_001159817.1, residues 43-63): ITQATNSHFT[His53Leu]GEMQDQSIWG

ClinVar aggregate classification (germline): Likely benign (1 of 4 stars; one submission).

Conditions:
MDFIC-related disorder. Also called: MDFIC-related condition.

gnomAD v4.1: 431 of 1,605,458 alleles (0.027%); highest among the groups gnomAD compares: African/African-American, 0.49%; 1 homozygote.

Submission:

PreventionGenetics, part of Exact Sciences
Classification: Likely benign for MDFIC-related condition. Last evaluated: 2025-08-13. Review status: criteria provided, single submitter. Criteria: ACMG Guidelines, 2015. Collection method: clinical testing. Allele origin: germline.
Comment: This variant is classified as likely benign based on ACMG/AMP sequence variant interpretation guidelines (Richards et al. 2015 PMID: 25741868, with internal and published modifications).